The following is an entry in ClinVar:

ClinVar aggregate classification (germline): Uncertain significance (1 of 4 stars; one submission).

Conditions:
Alzheimer disease 4 (AD4). Identifiers: Orphanet 1020, MedGen C1847200, MONDO:0011743, OMIM 606889.

gnomAD v4.1: 2 of 1,613,908 alleles (0.00012%); highest among the groups gnomAD compares: Admixed American, 0.0017%; no homozygotes.

Submission:

Labcorp Genetics (formerly Invitae), Labcorp
Classification: Uncertain significance for Alzheimer disease 4. Last evaluated: 2024-04-22. Review status: criteria provided, single submitter. Criteria: Invitae Variant Classification Sherloc (09022015). Collection method: clinical testing. Allele origin: germline.
Comment: This sequence change replaces phenylalanine, which is neutral and non-polar, with leucine, which is neutral and non-polar, at codon 92 of the PSEN2 protein (p.Phe92Leu). This variant is not present in population databases (gnomAD no frequency). This variant has not been reported in the literature in individuals affected with PSEN2-related conditions. Advanced modeling of protein sequence and biophysical properties (such as structural, functional, and spatial information, amino acid conservation, physicochemical variation, residue mobility, and thermodynamic stability) performed at Invitae indicates that this missense variant is not expected to disrupt PSEN2 protein function with a negative predictive value of 80%. In summary, the available evidence is currently insufficient to determine the role of this variant in disease. Therefore, it has been classified as a Variant of Uncertain Significance.

NM_000447.3(PSEN2):c.276T>G (p.Phe92Leu)

Gene: PSEN2 (presenilin 2; plus strand). Cytogenetic location: 1q42.13.
Variant type: single nucleotide variant.
Coding change: c.276T>G on transcript NM_000447.3 (MANE Select); coding-DNA position 276, T replaced by G.
Protein change: p.Phe92Leu; replaces phenylalanine 92 with leucine.
Molecular consequence: missense variant.
Genome position (GRCh38, 1-based): chr1:226,883,839, T>G. VCF-style: chr1-226883839-T-G. GRCh37 (hg19) VCF-style: chr1-227071540-T-G.
Other names: c.276T>G, p.Phe92Leu (NM_012486.3); short protein forms F92L.
Identifiers: ClinVar variation 3699857 (VCV003699857.2).
Genomic context (GRCh38, chr1:226,883,839, plus strand): 5'-GCCAGGCCTGGAGGAAGAGCTGACCCTCAAATACGGAGCGAAGCACGTGATCATGCTGTT[T>G]GTGCCTGTCACTCTGTGCATGATCGTGGTGGTAGCCACCATCAAGTCTGTGCGCTTCTAC-3'
Protein context (NP_000438.2, residues 82-102): KYGAKHVIML[Phe92Leu]VPVTLCMIVV